The following is an entry in ClinVar:

ClinVar aggregate classification (germline): Uncertain significance. Review status: criteria provided, multiple submitters, no conflicts (2 of 4 stars). 2 submissions from 2 submitters: Uncertain significance (2). Last evaluated 2025-06-26.

Conditions:
Inborn genetic diseases. Identifiers: MedGen C0950123, MeSH D030342.
Kostmann syndrome (SCN3). Also called: Autosomal recessive severe congenital neutropenia type 3; KOSTMANN DISEASE. Identifiers: Orphanet 99749, MedGen C5235141, MONDO:0012548, OMIM 610738.

Allele frequency attached by ClinVar (database versions not stated): TOPMed below 0.00001; gnomAD 0.00001.
gnomAD v4.1: 2 of 1,613,994 alleles (0.00012%); highest among the groups gnomAD compares: Admixed American, 0.0017%; no homozygotes.

Submissions (2):

Ambry Genetics
Classification: Uncertain significance for Inborn genetic diseases. Last evaluated: 2025-06-26. Review status: criteria provided, single submitter. Criteria: Ambry Variant Classification Scheme 2023. Collection method: clinical testing. Allele origin: germline.
Comment: The p.A157T variant (also known as c.469G>A), located in coding exon 3 of the HAX1 gene, results from a G to A substitution at nucleotide position 469. The alanine at codon 157 is replaced by threonine, an amino acid with similar properties. This amino acid position is conserved. In addition, this alteration is predicted to be tolerated by in silico analysis. Based on the available evidence, the clinical significance of this variant remains unclear.

Labcorp Genetics (formerly Invitae), Labcorp
Classification: Uncertain significance for Kostmann syndrome. Last evaluated: 2021-08-31. Review status: criteria provided, single submitter. Criteria: Invitae Variant Classification Sherloc (09022015). Collection method: clinical testing. Allele origin: germline.
Comment: This sequence change replaces alanine with threonine at codon 157 of the HAX1 protein (p.Ala157Thr). The alanine residue is moderately conserved and there is a small physicochemical difference between alanine and threonine. This variant is not present in population databases (ExAC no frequency). This variant has not been reported in the literature in individuals affected with HAX1-related conditions. Algorithms developed to predict the effect of missense changes on protein structure and function output the following: SIFT: "Tolerated"; PolyPhen-2: "Benign"; Align-GVGD: "Class C0". The threonine amino acid residue is found in multiple mammalian species, which suggests that this missense change does not adversely affect protein function. In summary, the available evidence is currently insufficient to determine the role of this variant in disease. Therefore, it has been classified as a Variant of Uncertain Significance.

NM_006118.4(HAX1):c.469G>A (p.Ala157Thr)

Gene: HAX1 (HCLS1 associated protein X-1; plus strand). Cytogenetic location: 1q21.3.
Variant type: single nucleotide variant.
Coding change: c.469G>A on transcript NM_006118.4 (MANE Select); coding-DNA position 469, G replaced by A.
Protein change: p.Ala157Thr; replaces alanine 157 with threonine.
Molecular consequence: missense variant.
Genome position (GRCh38, 1-based): chr1:154,273,926, G>A. VCF-style: chr1-154273926-G-A. GRCh37 (hg19) VCF-style: chr1-154246402-G-A.
Other names: c.325G>A, p.Ala109Thr (NM_001018837.2); short protein forms A157T, A109T.
Identifiers: ClinVar variation 937888 (VCV000937888.8), dbSNP rs745643366, ClinGen allele CA342592883.
Genomic context (GRCh38, chr1:154,273,926, plus strand): 5'-CAGCCCAGGATCTTTGGGGGGGTCTTGGAGAGTGATGCAAGAAGTGAATCCCCCCAACCA[G>A]CACCAGACTGGGGCTCCCAGAGGCCATTTCATAGGGTGAGTATCCCATCTGGTCCTGAAG-3'
Protein context (NP_006109.2, residues 147-167): SDARSESPQP[Ala157Thr]PDWGSQRPFH